The following is an entry in ClinVar:

ClinVar aggregate classification (germline): Pathogenic (1 of 4 stars; one submission).

Submission:

Labcorp Genetics (formerly Invitae), Labcorp
Classification: Pathogenic. Last evaluated: 2023-02-24. Review status: criteria provided, single submitter. Criteria: Invitae Variant Classification Sherloc (09022015). Collection method: clinical testing. Allele origin: germline.
Comment: This variant results in the deletion of part of exon 7 (c.1096_1100+19del) of the NR2E3 gene. While this variant is not anticipated to result in nonsense mediated decay, it likely alters RNA splicing and results in a disrupted protein product. This variant is not present in population databases (gnomAD no frequency). This variant has not been reported in the literature in individuals affected with NR2E3-related conditions. ClinVar contains an entry for this variant (Variation ID: 1059167). Variants that disrupt the consensus splice site are a relatively common cause of aberrant splicing (PMID: 17576681, 9536098). Algorithms developed to predict the effect of sequence changes on RNA splicing suggest that this variant may disrupt the consensus splice site. This variant disrupts a region of the NR2E3 protein in which other variant(s) (p.Arg367Serfs*12) have been determined to be pathogenic (Invitae). This suggests that this is a clinically significant region of the protein, and that variants that disrupt it are likely to be disease-causing. For these reasons, this variant has been classified as Pathogenic.

Literature cited by the submitters: PubMed 17576681; PubMed 9536098.

NM_014249.4(NR2E3):c.1096_1100+19del

Gene: NR2E3 (nuclear receptor subfamily 2 group E member 3; plus strand). Cytogenetic location: 15q23.
Variant type: Deletion.
Coding change: c.1096_1100+19del on transcript NM_014249.4 (MANE Select); coding-DNA position 1096 through 19 bases into the intron after coding-DNA position 1100, 24 bases deleted (GTGAGGTGACCTGAGCATGCGCCC).
Molecular consequence: splice donor variant. On other transcripts: stop lost (1), inframe deletion (1).
Genome position (GRCh38, 1-based): chr15:71,814,113-71,814,136, GTGAGGTGACCTGAGCATGCGCCC deleted; deleting any 24 consecutive bases within chr15:71,814,109-71,814,136 gives the same sequence; the c. name uses the placement nearest the transcript's 3' end. VCF-style (leftmost placement, unchanged base first): chr15-71814108-AGCCCGTGAGGTGACCTGAGCATGC-A. GRCh37 (hg19) VCF-style: chr15-72106449-AGCCCGTGAGGTGACCTGAGCATGC-A.
Other names: c.1096_*15del, p.Val366_Ter368del (NM_016346.4).
Identifiers: ClinVar variation 1059167 (VCV001059167.7), dbSNP rs1394845092, ClinGen allele CA715431727.